The following is an entry in ClinVar:

ClinVar aggregate classification (germline): Uncertain significance (1 of 4 stars; one submission).

Conditions:
Capillary malformation-arteriovenous malformation syndrome. Also called: Capillary malformation-arteriovenous malformation. Identifiers: Orphanet 137667, MedGen C1842180, MONDO:0012016.

Submission:

Labcorp Genetics (formerly Invitae), Labcorp
Classification: Uncertain significance for Capillary malformation-arteriovenous malformation syndrome. Last evaluated: 2023-08-19. Review status: criteria provided, single submitter. Criteria: Invitae Variant Classification Sherloc (09022015). Collection method: clinical testing. Allele origin: germline.
Comment: In summary, the available evidence is currently insufficient to determine the role of this variant in disease. Therefore, it has been classified as a Variant of Uncertain Significance. An algorithm developed to predict the effect of missense changes on protein structure and function (PolyPhen-2) suggests that this variant is likely to be tolerated. This variant has not been reported in the literature in individuals affected with RASA1-related conditions. This variant is not present in population databases (gnomAD no frequency). This sequence change replaces glutamine, which is neutral and polar, with glutamic acid, which is acidic and polar, at codon 808 of the RASA1 protein (p.Gln808Glu).

NM_002890.3(RASA1):c.2422C>G (p.Gln808Glu)

Genes: CCNH (cyclin H; minus strand), RASA1 (RAS p21 protein activator 1; plus strand). Cytogenetic location: 5q14.3.
Variant type: single nucleotide variant.
Coding change: c.2422C>G on transcript NM_002890.3 (MANE Select); coding-DNA position 2422, C replaced by G.
Protein change: p.Gln808Glu; replaces glutamine 808 with glutamic acid.
Molecular consequence: missense variant. On other transcripts: intron variant (1).
Genome position (GRCh38, 1-based): chr5:87,378,473, C>G. VCF-style: chr5-87378473-C-G. GRCh37 (hg19) VCF-style: chr5-86674290-C-G.
Other names: c.1891C>G, p.Gln631Glu (NM_022650.3); c.933+16571G>C (NM_001364075.2); short protein forms Q631E, Q808E.
Identifiers: ClinVar variation 2966922 (VCV002966922.3), dbSNP rs1396225514, ClinGen allele CA360382452.